The following is an entry in ClinVar:

ClinVar aggregate classification (germline): Uncertain significance (1 of 4 stars; one submission).

Conditions:
Malignant hyperthermia, susceptibility to, 1 (MHS1). Also called: Anesthesia related hyperthermia; Malignant hyperpyrexia; Fulminating hyperpyrexia; Pharmacogenic myopathy; RYR1-Related Malignant Hyperthermia Susceptibility; Malignant hyperthermia suceptibility 1. Identifiers: Orphanet 423, MedGen C2930980, MONDO:0007783, OMIM 145600.

Submission:

All of Us Research Program, National Institutes of Health
Classification: Uncertain significance for Malignant hyperthermia, susceptibility to, 1. Last evaluated: 2023-10-02. Review status: criteria provided, single submitter. Criteria: ACMG Guidelines, 2015. Collection method: clinical testing. Allele origin: germline. Inheritance: Autosomal dominant inheritance. Observed: 1 variant allele, 1 heterozygote.
Comment: This missense variant replaces proline with leucine at codon 4759 of the RYR1 protein. Computational prediction suggests that this variant may not impact protein structure and function (internally defined REVEL score threshold <= 0.5, PMID: 27666373). To our knowledge, functional studies have not been reported for this variant. This variant has not been reported in individuals affected with RYR1-related disorders in the literature. This variant has not been identified in the general population by the Genome Aggregation Database (gnomAD). The available evidence is insufficient to determine the role of this variant in disease conclusively. Therefore, this variant is classified as a Variant of Uncertain Significance.

This study involves interpretation of variants in research participants for the purpose of population health screening. Participant phenotype was not available at the time of variant classification. Additional details can be found in publication PMID: 35346344, PMCID: PMC8962531

NM_000540.3(RYR1):c.14276C>T (p.Pro4759Leu)

Gene: RYR1 (ryanodine receptor 1; plus strand). Cytogenetic location: 19q13.2.
Variant type: single nucleotide variant.
Coding change: c.14276C>T on transcript NM_000540.3 (MANE Select); coding-DNA position 14276, C replaced by T.
Protein change: p.Pro4759Leu; replaces proline 4759 with leucine.
Molecular consequence: missense variant.
Genome position (GRCh38, 1-based): chr19:38,578,021, C>T. VCF-style: chr19-38578021-C-T. GRCh37 (hg19) VCF-style: chr19-39068661-C-T.
Other names: c.14261C>T, p.Pro4754Leu (NM_001042723.2); short protein forms P4754L, P4759L.
Identifiers: ClinVar variation 3073608 (VCV003073608.1), dbSNP rs2514739161, ClinGen allele CA405684761.
Genomic context (GRCh38, chr19:38,578,021, plus strand): 5'-CTGAGCTACTGGGCATGGACCTGGCCACACTAGAGATCACAGCCCACAATGAGCGCAAGC[C>T]CAACCCGCCGCCAGGGCTGCTGACCTGGTGAGCCCAGGACACCCCTGCACAGGCCTGGGG-3'
Protein context (NP_000531.2, residues 4749-4769): LEITAHNERK[Pro4759Leu]NPPPGLLTWL